The following is an entry in ClinVar:

NM_000138.5(FBN1):c.3005C>T (p.Pro1002Leu)

Gene: FBN1 (fibrillin 1; minus strand). Cytogenetic location: 15q21.1.
Variant type: single nucleotide variant.
Coding change: c.3005C>T on transcript NM_000138.5 (MANE Select); coding-DNA position 3005, C replaced by T.
Protein change: p.Pro1002Leu; replaces proline 1002 with leucine.
Molecular consequence: missense variant.
Genome position (GRCh38, 1-based): chr15:48,489,928, G>A on the plus strand (C>T on the coding strand, the complement: FBN1 is on the minus strand). VCF-style: chr15-48489928-G-A. GRCh37 (hg19) VCF-style: chr15-48782125-G-A.
Other names: c.3005C>T, p.Pro1002Leu (NM_001406716.1); short protein forms P1002L.
Identifiers: ClinVar variation 5021601 (VCV005021601.1).

ClinVar aggregate classification (germline): Uncertain significance (1 of 4 stars; one submission).

Conditions:
Familial thoracic aortic aneurysm and aortic dissection (TAAD). Also called: Thoracic aortic aneurysms and dissections. Identifiers: Orphanet 91387, MedGen C4707243, MONDO:0019625.

Submission:

Ambry Genetics
Classification: Uncertain significance for Familial thoracic aortic aneurysm and aortic dissection. Last evaluated: 2026-08-29. Review status: criteria provided, single submitter. Criteria: Ambry Variant Classification Scheme 2023. Collection method: clinical testing. Allele origin: germline.
Comment: The p.P1002L variant (also known as c.3005C>T), located in coding exon 24 of the FBN1 gene, results from a C to T substitution at nucleotide position 3005. The proline at codon 1002 is replaced by leucine, an amino acid with similar properties. This amino acid position is conserved. In addition, the in silico prediction for this alteration is inconclusive. Based on the available evidence, the clinical significance of this variant remains unclear.